The following is an entry in ClinVar:

ClinVar aggregate classification (germline): Pathogenic/Likely pathogenic. Review status: criteria provided, multiple submitters, no conflicts (2 of 4 stars). 11 submissions from 11 submitters: Pathogenic (1); Likely pathogenic (7). 3 of the submissions do not count toward it. Last evaluated 2025-09-10.

Conditions:
Hereditary breast ovarian cancer syndrome. Also called: Hereditary breast and ovarian cancer syndrome; Hereditary breast and ovarian cancer; Hereditary breast and ovarian cancer syndrome (HBOC); Breast and ovarian cancer; Hereditary breast and/or ovarian cancer syndrome; BRCA1- and BRCA2-Associated Hereditary Breast and Ovarian Cancer. Identifiers: Orphanet 145, MedGen C0677776, MeSH D061325, MONDO:0003582. Disease mechanism: loss of function.
Hereditary cancer-predisposing syndrome. Also called: Neoplastic Syndromes, Hereditary; Tumor predisposition; Hereditary neoplastic syndrome; Hereditary Cancer Syndrome. Identifiers: Orphanet 140162, MedGen C0027672, MeSH D009386, MONDO:0015356.
Breast-ovarian cancer, familial, susceptibility to, 2 (BROVCA2). Also called: BRCA2 Hereditary Breast and Ovarian Cancer. Identifiers: Orphanet 145, MedGen C2675520, MONDO:0012933, OMIM 612555. Disease mechanism: loss of function.

gnomAD v4.1: 1 of 1,602,850 alleles (0.000062%); no homozygotes.

Submissions 1 to 5 of 11:

Labcorp Genetics (formerly Invitae), Labcorp
Classification: Likely pathogenic for Hereditary breast ovarian cancer syndrome. Last evaluated: 2025-09-10. Review status: criteria provided, single submitter. Criteria: Invitae Variant Classification Sherloc (09022015). Collection method: clinical testing. Allele origin: germline.
Comment: This sequence change replaces arginine, which is basic and polar, with leucine, which is neutral and non-polar, at codon 2336 of the BRCA2 protein (p.Arg2336Leu). This variant also falls at the last nucleotide of exon 13, which is part of the consensus splice site for this exon. This variant is not present in population databases (gnomAD no frequency). This missense change has been observed in individual(s) with breast and/or ovarian cancer (PMID: 22970155, 27157322, 29446198, 31742824, 31825140). ClinVar contains an entry for this variant (Variation ID: 52242). An algorithm developed to predict the effect of missense changes on protein structure and function (PolyPhen-2) suggests that this variant is likely to be tolerated. Variants that disrupt the consensus splice site are a relatively common cause of aberrant splicing (PMID: 17576681, 9536098). Algorithms developed to predict the effect of sequence changes on RNA splicing suggest that this variant may disrupt the consensus splice site. This variant disrupts the c.7007G nucleotide in the BRCA2 gene. Other variant(s) that disrupt this nucleotide have been determined to be pathogenic (PMID: 9150172, 21719596, 25447315). This suggests that this nucleotide is clinically significant, and that variants that disrupt this position are likely to be disease-causing. In summary, the currently available evidence indicates that the variant is pathogenic, but additional data are needed to prove that conclusively. Therefore, this variant has been classified as Likely Pathogenic.

Ambry Genetics
Classification: Likely pathogenic for Hereditary cancer-predisposing syndrome. Last evaluated: 2025-09-02. Review status: criteria provided, single submitter. Criteria: Ambry Variant Classification Scheme 2023. Collection method: clinical testing. Allele origin: germline.
Comment: The c.7007G>T variant (also known as p.R2336L), located in coding exon 12 of the BRCA2 gene, results from a G to T substitution at nucleotide position 7007. The amino acid change results in arginine to leucine at codon 2336, an amino acid with dissimilar properties. However, this change occurs in the last base pair of coding exon 12, which makes it likely to have some effect on normal mRNA splicing. This alteration has been reported in individuals with breast and/or ovarian cancer, predominantly from Chinese cohorts (Kwong A et al. PLoS ONE. 2012;7(9):e43994; Wei H et al. Oncol Lett 2018 Jun;15(6):9420-9428; Li A et al. Gynecol Oncol . 2018 Oct;151(1):145-152; Bhaskaran SP et al. Int J Cancer. 2019 Aug;145(4):962-973; Cheng J et al. J Cell Mol Med. 2020 Jan;24(2):1676-1683; Gao X et al. Hum Mutat. 2020 Mar;41(3):696-708). In an assay testing BRCA2 function, this variant showed a functionally abnormal result (Sahu S et al. PLoS Genet . 2023 Sep;19(9):e1010940). This variant is considered to be rare based on population cohorts in the Genome Aggregation Database (gnomAD). This nucleotide position is highly conserved in available vertebrate species. In silico splice site analysis predicts that this alteration may weaken the native splice donor site. RNA studies have demonstrated that this alteration results in abnormal splicing in the set of samples tested (Ambry internal data). Alterations at this same position and impacting the same donor site (c.7007G>C and c.7007G>A) have been reported to result in aberrant splicing (Houdayer C et al. Hum. Mutat. 2012 Aug; 33(8):1228-38; Ambry internal data), and have been described in a compound heterozygous or homozygous state in individuals diagnosed with Fanconi anemia (Meng L et al. JAMA Pediatr. 2017 12;171(12):e173438; Ghazwani Y et al. Cancer Genet 2016 Apr;209(4):171-6). Based on the majority of available evidence to date, this variant is likely to be pathogenic. However, because variants at this location have been identified in patients with Fanconi Anemia, this alteration may be hypomorphic, and thus, carriers of this variant and their families may present with reduced risks, and not with the typical clinical characteristics of a high-risk pathogenic BRCA2 alteration. As risk estimates are unknown at this time, clinical correlation is advised.

Quest Diagnostics Nichols Institute San Juan Capistrano
Classification: Likely pathogenic. Last evaluated: 2025-02-17. Review status: criteria provided, single submitter. Criteria: Quest Diagnostics criteria. Collection method: clinical testing. Allele origin: unknown.
Comment: The BRCA2 c.7007G>T (p.Arg2336Leu) variant has been reported in the published literature in individuals/families affected with breast and/or ovarian cancer ((PMIDs: 22970155 (2012), 27157322 (2016), 28724667 (2017), 28993434 (2018), 30078507 (2018), 31782247 (2020), 35886069 (2022)), as well as non-small cell lung cancer (PMID: 31565484 (2019)). An experimental study has reported that this variant may have a deleterious effect on BRCA2 protein function (PMID: 377134444 (2023)). This variant has not been reported in large, multi-ethnic general populations (Genome Aggregation Database). Analysis of this variant using software algorithms for the prediction of the effect of nucleotide changes on splicing yielded predictions that this variant may affect proper BRCA2 mRNA splicing. Based on the available information, this variant is classified as likely pathogenic.

GeneDx
Classification: Likely pathogenic. Last evaluated: 2024-09-10. Review status: criteria provided, single submitter. Criteria: GeneDx Variant Classification Process June 2021. Collection method: clinical testing. Allele origin: germline. Affected: yes.
Comment: Located at the last nucleotide of the exon and demonstrated to result in aberrant splicing, producing multiple transcripts, including out-of-frame skipping of exons 12-13 (PMID: 33293522); Published functional studies classify this variant as non-functional based on sensitivity to PARP inhibitors (PMID: 37713444); Not observed at significant frequency in large population cohorts (gnomAD); In silico analysis indicates that this missense variant does not alter protein structure/function; Also known as 7235G>T; This variant is associated with the following publications: (PMID: 28888541, 29884841, 32377563, 22970155, 29446198, 28993434, 30078507, 31825140, 30702160, 31565484, 31782247, 31447099, 27157322, 28724667, 31742824, 33293522, 37713444, 37937776)

All of Us Research Program, National Institutes of Health
Classification: Likely pathogenic for Breast-ovarian cancer, familial, susceptibility to, 2. Last evaluated: 2023-10-02. Review status: criteria provided, single submitter. Criteria: ACMG Guidelines, 2015. Collection method: clinical testing. Allele origin: germline. Inheritance: Autosomal dominant inheritance. Observed: 1 variant allele, 1 heterozygote.
Comment: This missense variant replaces arginine with leucine at codon 2336 of the BRCA2 protein. Computational prediction suggests that this variant may not impact protein structure and function (internally defined REVEL score threshold <= 0.5, PMID: 27666373). This variant also changes the last nucleotide of exon 13 of the BRCA2 gene and splice site prediction tools suggest that this variant may have a significant impact on RNA splicing. Although this prediction has not been confirmed in published RNA studies for this variant, different variants affecting the same splice donor site (c.7007G>A, c.7007G>C) have been shown to produce aberrant RNA transcripts and are considered to be disease-causing (ClinVar variation ID: 38077, 52241). It suggests that the reference sequence at this splice site is important for normal RNA splicing. This variant has been reported in individuals with personal and/or family history of breast and/or ovarian cancer (PMID: 22970155, 27157322, 28993434, 30078507, 31742824, 31782247, 35886069, Color internal data) and non-small cell lung cancer (PMID: 31565484). This variant has not been identified in the general population by the Genome Aggregation Database (gnomAD). Based on the available evidence, this variant is classified as Likely Pathogenic.

This study involves interpretation of variants in research participants for the purpose of population health screening. Participant phenotype was not available at the time of variant classification. Additional details can be found in publication PMID: 35346344, PMCID: PMC8962531

NM_000059.4(BRCA2):c.7007G>T (p.Arg2336Leu)

Gene: BRCA2 (BRCA2 DNA repair associated; plus strand). Cytogenetic location: 13q13.1.
Variant type: single nucleotide variant.
Coding change: c.7007G>T on transcript NM_000059.4 (MANE Select); coding-DNA position 7007, G replaced by T.
Protein change: p.Arg2336Leu; replaces arginine 2336 with leucine.
Molecular consequence: missense variant.
Genome position (GRCh38, 1-based): chr13:32,346,896, G>T. VCF-style: chr13-32346896-G-T. GRCh37 (hg19) VCF-style: chr13-32921033-G-T.
Other names: 7235G>T; short protein forms R2336L.
Identifiers: ClinVar variation 52242 (VCV000052242.29), dbSNP rs28897743, ClinGen allele CA024720.
Genomic context (GRCh38, chr13:32,346,896, plus strand): 5'-AAGATCGAAGATTGTTTATGCATCATGTTTCTTTAGAGCCGATTACCTGTGTACCCTTTC[G>T]GTAAGACATGTTTAAATTTTTCTAAATTCTAATACAGTATGAGAAAAGTCTCGTTTTTAT-3'
Protein context (NP_000050.3, residues 2326-2346): SLEPITCVPF[Arg2336Leu]TTKERQEIQN